The following is an entry in ClinVar:

NM_133433.4(NIPBL):c.6829T>C (p.Ser2277Pro)

Gene: NIPBL (NIPBL cohesin loading factor; plus strand). Cytogenetic location: 5p13.2.
Variant type: single nucleotide variant.
Coding change: c.6829T>C on transcript NM_133433.4 (MANE Select); coding-DNA position 6829, T replaced by C.
Protein change: p.Ser2277Pro; replaces serine 2277 with proline.
Molecular consequence: missense variant.
Genome position (GRCh38, 1-based): chr5:37,049,176, T>C. VCF-style: chr5-37049176-T-C. GRCh37 (hg19) VCF-style: chr5-37049278-T-C.
Other names: c.6829T>C, p.Ser2277Pro (NM_001438586.1, NM_015384.5); short protein forms S2277P.
Identifiers: ClinVar variation 5037146 (VCV005037146.1).

ClinVar aggregate classification (germline): Uncertain significance (1 of 4 stars; one submission).

Submission:

GeneDx
Classification: Uncertain significance. Last evaluated: 2026-04-13. Review status: criteria provided, single submitter. Criteria: GeneDx Variant Classification Process June 2021. Collection method: clinical testing. Allele origin: germline.
Comment: Not observed at significant frequency in large population cohorts (gnomAD); In silico analysis supports that this missense variant has a deleterious effect on protein structure/function; Has not been previously published as pathogenic or benign to our knowledge